The following is an entry in ClinVar:

NM_198253.3(TERT):c.1657G>A (p.Val553Ile)

Gene: TERT (telomerase reverse transcriptase; minus strand). Cytogenetic location: 5p15.33.
Variant type: single nucleotide variant.
Coding change: c.1657G>A on transcript NM_198253.3 (MANE Select); coding-DNA position 1657, G replaced by A.
Protein change: p.Val553Ile; replaces valine 553 with isoleucine.
Molecular consequence: missense variant. On other transcripts: non-coding transcript variant (2).
Genome position (GRCh38, 1-based): chr5:1,282,541, C>T on the plus strand (G>A on the coding strand, the complement: TERT is on the minus strand). VCF-style: chr5-1282541-C-T. GRCh37 (hg19) VCF-style: chr5-1282656-C-T.
Other names: c.1657G>A, p.Val553Ile (NM_001193376.3); short protein forms V553I.
Identifiers: ClinVar variation 650096 (VCV000650096.14), dbSNP rs749051614, ClinGen allele CA3184788.

ClinVar aggregate classification (germline): Uncertain significance. Review status: criteria provided, multiple submitters, no conflicts (2 of 4 stars). 5 submissions from 5 submitters: Uncertain significance (5). Last evaluated 2025-09-10.

Conditions:
Pulmonary fibrosis and/or bone marrow failure, Telomere-related, 1. Also called: PULMONARY FIBROSIS AND/OR BONE MARROW FAILURE SYNDROME, TELOMERE-RELATED, 1. Identifiers: Orphanet 88, MedGen C3553617, MONDO:0013878, OMIM 614742.
Dyskeratosis congenita. Identifiers: Orphanet 1775, MedGen C0265965, MONDO:0015780.
Idiopathic Pulmonary Fibrosis. Also called: Idiopathic fibrosing alveolitis, chronic form; idiopathic fibrosing alveolitis. Identifiers: Orphanet 2032, MedGen C1800706, MeSH D054990, MONDO:0800504.
Dyskeratosis congenita, autosomal dominant 2. Identifiers: MedGen C3151443, MONDO:0013521, OMIM 613989.

Allele frequency attached by ClinVar (database versions not stated): TOPMed below 0.00001; gnomAD 0.00001; gnomAD exomes 0.00001 and 0.00002; ExAC 0.00002.
gnomAD v4.1: 11 of 1,614,032 alleles (0.00068%); highest among the groups gnomAD compares: East Asian, 0.0045%; no homozygotes.

Submissions (5):

Genomic Medicine Center of Excellence, King Faisal Specialist Hospital and Research Centre
Classification: Uncertain significance for Pulmonary fibrosis and/or bone marrow failure, Telomere-related, 1. Last evaluated: 2025-09-10. Review status: criteria provided, single submitter. Criteria: ACMG Guidelines, 2015. Collection method: clinical testing. Allele origin: germline.

Labcorp Genetics (formerly Invitae), Labcorp
Classification: Uncertain significance for Dyskeratosis congenita, autosomal dominant 2; Idiopathic Pulmonary Fibrosis. Last evaluated: 2025-08-12. Review status: criteria provided, single submitter. Criteria: Invitae Variant Classification Sherloc (09022015). Collection method: clinical testing. Allele origin: germline.
Comment: This sequence change replaces valine, which is neutral and non-polar, with isoleucine, which is neutral and non-polar, at codon 553 of the TERT protein (p.Val553Ile). This variant is present in population databases (rs749051614, gnomAD 0.01%). This variant has not been reported in the literature in individuals affected with TERT-related conditions. ClinVar contains an entry for this variant (Variation ID: 650096). An algorithm developed to predict the effect of missense changes on protein structure and function outputs the following: PolyPhen-2: "Possibly Damaging". The isoleucine amino acid residue is found in multiple mammalian species, which suggests that this missense change does not adversely affect protein function. In summary, the available evidence is currently insufficient to determine the role of this variant in disease. Therefore, it has been classified as a Variant of Uncertain Significance.

Ambry Genetics
Classification: Uncertain significance for Dyskeratosis congenita. Last evaluated: 2025-01-07. Review status: criteria provided, single submitter. Criteria: Ambry Variant Classification Scheme 2023. Collection method: clinical testing. Allele origin: germline.
Comment: The p.V553I variant (also known as c.1657G>A), located in coding exon 3 of the TERT gene, results from a G to A substitution at nucleotide position 1657. The valine at codon 553 is replaced by isoleucine, an amino acid with highly similar properties. This amino acid position is highly conserved in available vertebrate species. In addition, the in silico prediction for this alteration is inconclusive. The evidence for this gene-disease relationship is limited; therefore, the clinical significance of this alteration is unclear.

GeneDx
Classification: Uncertain significance. Last evaluated: 2023-12-28. Review status: criteria provided, single submitter. Criteria: GeneDx Variant Classification Process June 2021. Collection method: clinical testing. Allele origin: germline. Affected: yes.
Comment: In silico analysis supports that this missense variant does not alter protein structure/function; Has not been previously published as pathogenic or benign to our knowledge

Sema4
Classification: Uncertain significance for Dyskeratosis congenita. Last evaluated: 2021-10-19. Review status: criteria provided, single submitter. Criteria: Sema4 Curation Guidelines. Collection method: curation. Allele origin: germline.
Comment: To the best of our knowledge, the TERT c.1657G>A (p.V553I) variant has not been reported in individuals with TERT-related disease. It was observed in 3/30614 chromosomes of the South Asian subpopulation in the large and broad cohorts of the Genome Aggregation Database (PMID: 32461654). The variant has been reported in ClinVar (Variation ID 650096). Functional studies have not been performed, and in silico predictions of the variant's effect on protein function are inconclusive. The evidence is insufficient to meet ACMG/AMP criteria for classifying the variant as benign or pathogenic. Thus, the clinical significance of this variant is currently uncertain.